The following is an entry in ClinVar:

NM_017950.4(CCDC40):c.966C>T (p.Ala322=)

Gene: CCDC40 (coiled-coil domain 40 molecular ruler complex subunit; plus strand). Cytogenetic location: 17q25.3.
Variant type: single nucleotide variant.
Coding change: c.966C>T on transcript NM_017950.4 (MANE Select); coding-DNA position 966, C replaced by T.
Protein change: p.Ala322=; no amino-acid change (alanine 322 retained).
Molecular consequence: synonymous variant.
Genome position (GRCh38, 1-based): chr17:80,050,090, C>T. VCF-style: chr17-80050090-C-T. GRCh37 (hg19) VCF-style: chr17-78023889-C-T.
Other names: p.Ala322=; c.966C>T, p.Ala322= (NM_001243342.2, NM_001330508.2).
Identifiers: ClinVar variation 325727 (VCV000325727.16), dbSNP rs369089505, ClinGen allele CA8813637.

ClinVar aggregate classification (germline): Conflicting classifications of pathogenicity. Review status: criteria provided, conflicting classifications (1 of 4 stars). 5 submissions from 5 submitters: Uncertain significance (1); Likely benign (4). Last evaluated 2026-01-26.

Conditions:
Primary ciliary dyskinesia. Also called: Ciliary dyskinesia. Identifiers: Orphanet 244, MedGen C0008780, MONDO:0016575, HP:0012265.
Primary ciliary dyskinesia 15. Also called: CILIARY DYSKINESIA, PRIMARY, 15, WITH OR WITHOUT SITUS INVERSUS. Identifiers: Orphanet 244, MedGen C3151137, MONDO:0013435, OMIM 613808.

Allele frequency attached by ClinVar (database versions not stated): gnomAD exomes 0.00017 and 0.00010; ESP Exome Variant Server 0.00008; gnomAD 0.00009 and 0.00010; ExAC 0.00010; TOPMed 0.00011.
gnomAD v4.1: 255 of 1,613,906 alleles (0.016%); highest among the groups gnomAD compares: Non-Finnish European, 0.021%; 1 homozygote.

Submissions (5):

Labcorp Genetics (formerly Invitae), Labcorp
Classification: Likely benign for Primary ciliary dyskinesia. Last evaluated: 2026-01-26. Review status: criteria provided, single submitter. Criteria: Invitae Variant Classification Sherloc (09022015). Collection method: clinical testing. Allele origin: germline.

Mayo Clinic Laboratories, Mayo Clinic
Classification: Likely benign. Last evaluated: 2025-08-29. Review status: criteria provided, single submitter. Criteria: ACMG Guidelines, 2015. Collection method: clinical testing. Allele origin: germline. Observed: 1 variant allele.
Comment: BP4, BP7

Ambry Genetics
Classification: Likely benign for Primary ciliary dyskinesia. Last evaluated: 2025-06-30. Review status: criteria provided, single submitter. Criteria: Ambry Variant Classification Scheme 2023. Collection method: clinical testing. Allele origin: germline.

Blueprint Genetics
Classification: Likely benign. Last evaluated: 2023-12-29. Review status: criteria provided, single submitter. Criteria: ACMG Guidelines, 2015. Collection method: clinical testing. Allele origin: germline.

Illumina Laboratory Services, Illumina
Classification: Uncertain significance for Primary ciliary dyskinesia 15. Last evaluated: 2018-01-13. Review status: criteria provided, single submitter. Criteria: ICSL Variant Classification Criteria 13 December 2019. Collection method: clinical testing. Allele origin: germline.